The following is an entry in ClinVar:

NM_000038.6(APC):c.7291A>G (p.Arg2431Gly)

Gene: APC (APC regulator of Wnt signaling pathway; plus strand). Cytogenetic location: 5q22.2.
Variant type: single nucleotide variant.
Coding change: c.7291A>G on transcript NM_000038.6 (MANE Select); coding-DNA position 7291, A replaced by G.
Protein change: p.Arg2431Gly; replaces arginine 2431 with glycine.
Molecular consequence: missense variant. On other transcripts: non-coding transcript variant (2).
Genome position (GRCh38, 1-based): chr5:112,842,885, A>G. VCF-style: chr5-112842885-A-G. GRCh37 (hg19) VCF-style: chr5-112178582-A-G.
Other names: c.7291A>G, p.Arg2431Gly (NM_001127510.3, NM_001354895.2, NM_001407450.1); c.7237A>G, p.Arg2413Gly (NM_001127511.3); c.7345A>G, p.Arg2449Gly (NM_001354896.2, NM_001407447.1, NM_001407448.1 and 1 more transcripts); c.7321A>G, p.Arg2441Gly (NM_001354897.2); c.7216A>G, p.Arg2406Gly (NM_001354898.2); c.7207A>G, p.Arg2403Gly (NM_001354899.2); c.7168A>G, p.Arg2390Gly (NM_001354900.2); c.7114A>G, p.Arg2372Gly (NM_001354901.2, NM_001407453.1); and 11 more; short protein forms R2047G, R2340G, R2348G, R2390G, R2413G, R2302G, R2406G, R2431G.
Identifiers: ClinVar variation 3879421 (VCV003879421.1).

ClinVar aggregate classification (germline): Uncertain significance (1 of 4 stars; one submission).

Conditions:
Hereditary cancer-predisposing syndrome. Also called: Tumor predisposition; Neoplastic Syndromes, Hereditary; Hereditary Cancer Syndrome; Hereditary neoplastic syndrome. Identifiers: Orphanet 140162, MedGen C0027672, MeSH D009386, MONDO:0015356.

Submission:

Ambry Genetics
Classification: Uncertain significance for Hereditary cancer-predisposing syndrome. Last evaluated: 2025-02-27. Review status: criteria provided, single submitter. Criteria: Ambry Variant Classification Scheme 2023. Collection method: clinical testing. Allele origin: germline.
Comment: The p.R2431G variant (also known as c.7291A>G), located in coding exon 15 of the APC gene, results from an A to G substitution at nucleotide position 7291. The arginine at codon 2431 is replaced by glycine, an amino acid with dissimilar properties. This amino acid position is highly conserved in available vertebrate species. In addition, in silico predictors for this gene do not accurately predict pathogenicity. Based on the available evidence, the clinical significance of this variant remains unclear.